The following is an entry in ClinVar:

ClinVar aggregate classification (germline): Uncertain significance (1 of 4 stars; one submission).

Submission:

Labcorp Genetics (formerly Invitae), Labcorp
Classification: Uncertain significance. Last evaluated: 2024-09-29. Review status: criteria provided, single submitter. Criteria: Invitae Variant Classification Sherloc (09022015). Collection method: clinical testing. Allele origin: germline.
Comment: This sequence change creates a premature translational stop signal (p.Gln118*) in the ATRIP gene. It is expected to result in an absent or disrupted protein product. However, the current clinical and genetic evidence is not sufficient to establish whether loss-of-function variants in ATRIP cause disease. This variant is not present in population databases (gnomAD no frequency). This variant has not been reported in the literature in individuals affected with ATRIP-related conditions. In summary, the available evidence is currently insufficient to determine the role of this variant in disease. Therefore, it has been classified as a Variant of Uncertain Significance.

NM_130384.3(ATRIP):c.352C>T (p.Gln118Ter)

Genes: ATRIP (ATR interacting protein; plus strand), ATRIP-TREX1 (ATRIP-TREX1 readthrough; plus strand). Cytogenetic location: 3p21.31.
Variant type: single nucleotide variant.
Coding change: c.352C>T on transcript NM_130384.3 (MANE Select); coding-DNA position 352, C replaced by T.
Protein change: p.Gln118Ter; replaces glutamine 118 with a stop codon.
Molecular consequence: nonsense. On other transcripts: non-coding transcript variant (1), 5 prime UTR variant (1).
Genome position (GRCh38, 1-based): chr3:48,450,141, C>T. VCF-style: chr3-48450141-C-T. GRCh37 (hg19) VCF-style: chr3-48491547-C-T.
Other names: c.-113C>T (NM_001271022.2); c.73C>T, p.Gln25Ter (NM_001271023.2); c.352C>T, p.Gln118Ter (NM_032166.4); short protein forms Q118*, Q25*.
Identifiers: ClinVar variation 3721791 (VCV003721791.2).
Genomic context (GRCh38, chr3:48,450,141, plus strand): 5'-CCTTCAGGGAAAAACAGAGAAACTGTTCCAATTAAAGATAATTTCGAATTAGAGGTACTT[C>T]AGGCACAATACAAAGAACTTAAAGAAAAGGTAAGTGACTTAACTTGTGGTTTTTGTAGCT-3'